The following is an entry in ClinVar:

NM_019892.6(INPP5E):c.-31G>C

Gene: INPP5E (inositol polyphosphate-5-phosphatase E; minus strand). Cytogenetic location: 9q34.3.
Variant type: single nucleotide variant.
Coding change: c.-31G>C on transcript NM_019892.6 (MANE Select); 31 bases upstream of the start codon, G replaced by C.
Molecular consequence: 5 prime UTR variant.
Genome position (GRCh38, 1-based): chr9:136,439,450, C>G on the plus strand (G>C on the coding strand, the complement: INPP5E is on the minus strand). VCF-style: chr9-136439450-C-G. GRCh37 (hg19) VCF-style: chr9-139333902-C-G.
Other names: c.-31G>C (NM_019892.5, NM_001318502.2).
Identifiers: ClinVar variation 261187 (VCV000261187.9), dbSNP rs554931078, ClinGen allele CA5337218.

ClinVar aggregate classification (germline): Likely benign. Review status: criteria provided, multiple submitters, no conflicts (2 of 4 stars). 4 submissions from 4 submitters: Likely benign (3). 1 of the submissions does not count toward it. Last evaluated 2018-03-01.

Conditions:
INPP5E-related disorder. Also called: INPP5E-related condition.
Joubert syndrome 1 (JBTS1). Also called: CEREBELLOPARENCHYMAL DISORDER IV; Cerebellooculorenal syndrome 1. Identifiers: MedGen C4551568, MONDO:0008944, OMIM 213300.

Allele frequency attached by ClinVar (database versions not stated): gnomAD 0.00441 and 0.00466; ExAC below 0.00001; gnomAD exomes 0.00022 and 0.00040; 1000 Genomes Project 0.00539; 1000 Genomes Project 30x 0.00547; TOPMed 0.00508.
gnomAD v4.1: 1,203 of 1,419,586 alleles (0.085%); highest among the groups gnomAD compares: African/African-American, 1.6%; 9 homozygotes.

Submissions (4):

GeneDx
Classification: Likely benign. Last evaluated: 2018-03-01. Review status: criteria provided, single submitter. Criteria: GeneDx Variant Classification (06012015). Collection method: clinical testing. Allele origin: germline. Affected: yes.
Comment: This variant is considered likely benign or benign based on one or more of the following criteria: it is a conservative change, it occurs at a poorly conserved position in the protein, it is predicted to be benign by multiple in silico algorithms, and/or has population frequency not consistent with disease.

Illumina Laboratory Services, Illumina
Classification: Likely benign for Joubert syndrome 1. Last evaluated: 2018-01-13. Review status: criteria provided, single submitter. Criteria: ICSL Variant Classification Criteria 13 December 2019. Collection method: clinical testing. Allele origin: germline.
Comment: This variant was observed in the ICSL laboratory as part of a predisposition screen in an ostensibly healthy population. It had not been previously curated by ICSL or reported in the Human Gene Mutation Database (HGMD: prior to June 1st, 2018), and was therefore a candidate for classification through an automated scoring system. Utilizing variant allele frequency, disease prevalence and penetrance estimates, and inheritance mode, an automated score was calculated to assess if this variant is too frequent to cause the disease. Based on the score and internal cut-off values, a variant classified as likely benign is not then subjected to further curation. The score for this variant resulted in a classification of likely benign for this disease.

Breakthrough Genomics
Classification: Likely benign. Review status: criteria provided, single submitter. Criteria: ACMG Guidelines, 2015. Collection method: not provided. Allele origin: germline. Inheritance: Autosomal recessive inheritance. Affected: yes.

PreventionGenetics, part of Exact Sciences
Classification: Benign for INPP5E-related condition. Last evaluated: 2021-11-09. Review status: no assertion criteria provided. Collection method: clinical testing. Allele origin: germline. Not counted in ClinVar's aggregate classification.
Comment: This variant is classified as benign based on ACMG/AMP sequence variant interpretation guidelines (Richards et al. 2015 PMID: 25741868, with internal and published modifications).